The following is an entry in ClinVar:

ClinVar aggregate classification (germline): Benign/Likely benign. Review status: criteria provided, multiple submitters, no conflicts (2 of 4 stars). 5 submissions from 5 submitters: Benign (2); Likely benign (3). Last evaluated 2026-02-03.

Conditions:
Inborn genetic diseases. Identifiers: MedGen C0950123, MeSH D030342.
Rafiq syndrome (RAFQS). Identifiers: Orphanet 88616, MedGen C3280127, MONDO:0013624, OMIM 614202.

Allele frequency attached by ClinVar (database versions not stated): TOPMed 0.00444; 1000 Genomes Project 0.00699; 1000 Genomes Project 30x 0.00734; ExAC 0.00134; gnomAD 0.00411; ESP Exome Variant Server 0.00438.
gnomAD v4.1: 1,320 of 1,613,438 alleles (0.082%); highest among the groups gnomAD compares: African/African-American, 1.5%; 8 homozygotes.

Submissions (5):

Labcorp Genetics (formerly Invitae), Labcorp
Classification: Benign for Rafiq syndrome. Last evaluated: 2026-02-03. Review status: criteria provided, single submitter. Criteria: Invitae Variant Classification Sherloc (09022015). Collection method: clinical testing. Allele origin: germline.

CeGaT Center for Human Genetics Tuebingen
Classification: Likely benign. Last evaluated: 2025-12-01. Review status: criteria provided, single submitter. Criteria: CeGaT Center For Human Genetics Tuebingen Variant Classification Criteria Version 2. Collection method: clinical testing. Allele origin: germline. Affected: yes. Observed: 2 variant alleles.
Comment: MAN1B1: BP4, BP7, BS1

Blueprint Genetics
Classification: Likely benign. Last evaluated: 2024-11-26. Review status: criteria provided, single submitter. Criteria: ACMG Guidelines, 2015. Collection method: clinical testing. Allele origin: germline.

Ambry Genetics
Classification: Likely benign for Inborn genetic diseases. Last evaluated: 2017-06-13. Review status: criteria provided, single submitter. Criteria: Ambry Variant Classification Scheme 2023. Collection method: clinical testing. Allele origin: germline.

Breakthrough Genomics
Classification: Benign. Review status: criteria provided, single submitter. Criteria: ACMG Guidelines, 2015. Collection method: not provided. Allele origin: germline. Inheritance: Autosomal recessive inheritance. Affected: yes.

NM_016219.5(MAN1B1):c.1713C>T (p.Ile571=)

Gene: MAN1B1 (mannosidase alpha class 1B member 1; plus strand). Cytogenetic location: 9q34.3.
Variant type: single nucleotide variant.
Coding change: c.1713C>T on transcript NM_016219.5 (MANE Select); coding-DNA position 1713, C replaced by T.
Protein change: p.Ile571=; no amino-acid change (isoleucine 571 retained).
Molecular consequence: synonymous variant. On other transcripts: non-coding transcript variant (2).
Genome position (GRCh38, 1-based): chr9:137,107,396, C>T. VCF-style: chr9-137107396-C-T. GRCh37 (hg19) VCF-style: chr9-140001848-C-T.
Identifiers: ClinVar variation 539746 (VCV000539746.39), dbSNP rs12000048, ClinGen allele CA5359340.